The following is an entry in ClinVar:

NM_000059.4(BRCA2):c.10033G>T (p.Ala3345Ser)

Gene: BRCA2 (BRCA2 DNA repair associated; plus strand). Cytogenetic location: 13q13.1.
Variant type: single nucleotide variant.
Coding change: c.10033G>T on transcript NM_000059.4 (MANE Select); coding-DNA position 10033, G replaced by T.
Protein change: p.Ala3345Ser; replaces alanine 3345 with serine.
Molecular consequence: missense variant.
Genome position (GRCh38, 1-based): chr13:32,398,546, G>T. VCF-style: chr13-32398546-G-T. GRCh37 (hg19) VCF-style: chr13-32972683-G-T.
Other names: short protein forms A3345S.
Identifiers: ClinVar variation 657542 (VCV000657542.13), dbSNP rs546597661, ClinGen allele CA387767777.

ClinVar aggregate classification (germline): Uncertain significance. Review status: criteria provided, multiple submitters, no conflicts (2 of 4 stars). 2 submissions from 2 submitters: Uncertain significance (2). Last evaluated 2024-12-26.

Conditions:
Hereditary cancer-predisposing syndrome. Also called: Hereditary neoplastic syndrome; Neoplastic Syndromes, Hereditary; Hereditary Cancer Syndrome; Tumor predisposition. Identifiers: Orphanet 140162, MedGen C0027672, MeSH D009386, MONDO:0015356.
Hereditary breast ovarian cancer syndrome. Also called: BRCA1- and BRCA2-Associated Hereditary Breast and Ovarian Cancer; Hereditary breast and ovarian cancer syndrome; Hereditary breast and ovarian cancer syndrome (HBOC); Hereditary breast and/or ovarian cancer syndrome; Breast and ovarian cancer; Hereditary breast and ovarian cancer. Identifiers: Orphanet 145, MedGen C0677776, MeSH D061325, MONDO:0003582. Disease mechanism: loss of function.

Allele frequency attached by ClinVar (database versions not stated): gnomAD exomes below 0.00001; gnomAD 0.00001.
gnomAD v4.1: 3 of 1,614,040 alleles (0.00019%); highest among the groups gnomAD compares: Admixed American, 0.0033%; no homozygotes.

Submissions (2):

Labcorp Genetics (formerly Invitae), Labcorp
Classification: Uncertain significance for Hereditary breast ovarian cancer syndrome. Last evaluated: 2024-12-26. Review status: criteria provided, single submitter. Criteria: Invitae Variant Classification Sherloc (09022015). Collection method: clinical testing. Allele origin: germline.
Comment: This sequence change replaces alanine, which is neutral and non-polar, with serine, which is neutral and polar, at codon 3345 of the BRCA2 protein (p.Ala3345Ser). This variant is not present in population databases (gnomAD no frequency). This variant has not been reported in the literature in individuals affected with BRCA2-related conditions. ClinVar contains an entry for this variant (Variation ID: 657542). Invitae Evidence Modeling of protein sequence and biophysical properties (such as structural, functional, and spatial information, amino acid conservation, physicochemical variation, residue mobility, and thermodynamic stability) indicates that this missense variant is not expected to disrupt BRCA2 protein function with a negative predictive value of 95%. In summary, the available evidence is currently insufficient to determine the role of this variant in disease. Therefore, it has been classified as a Variant of Uncertain Significance.

Ambry Genetics
Classification: Uncertain significance for Hereditary cancer-predisposing syndrome. Last evaluated: 2021-03-04. Review status: criteria provided, single submitter. Criteria: Ambry Variant Classification Scheme 2023. Collection method: clinical testing. Allele origin: germline.
Comment: The p.A3345S variant (also known as c.10033G>T), located in coding exon 26 of the BRCA2 gene, results from a G to T substitution at nucleotide position 10033. The alanine at codon 3345 is replaced by serine, an amino acid with similar properties. This amino acid position is highly conserved in available vertebrate species. In addition, this alteration is predicted to be tolerated by in silico analysis. Since supporting evidence is limited at this time, the clinical significance of this alteration remains unclear.